The following is an entry in ClinVar:

ClinVar aggregate classification (germline): Conflicting classifications of pathogenicity. Review status: criteria provided, conflicting classifications (1 of 4 stars). 4 submissions from 4 submitters: Uncertain significance (2); Likely benign (1). 1 of the submissions does not count toward it. Last evaluated 2024-07-17.

Conditions:
Becker muscular dystrophy (BMD). Also called: MUSCULAR DYSTROPHY, PSEUDOHYPERTROPHIC PROGRESSIVE, BECKER TYPE; Becker Muscular Dystrophy (BMD). Identifiers: Orphanet 98895, MedGen C0917713, MONDO:0010311, OMIM 300376.
Cardiomyopathy (CMYO). Also called: Cardiomyopathies. Identifiers: Orphanet 167848, MedGen C0878544, MONDO:0004994, HP:0001638. Inheritance: Various modes of inheritance.
Duchenne muscular dystrophy (DMD). Also called: MUSCULAR DYSTROPHY, PSEUDOHYPERTROPHIC PROGRESSIVE, DUCHENNE TYPE; Duchenne Muscular Dystrophy (DMD). Identifiers: Orphanet 98896, MedGen C0013264, MONDO:0010679, OMIM 310200.
Dystrophin deficiency.
Cardiovascular phenotype. Identifiers: MedGen CN230736.

gnomAD v4.1: 12 of 1,208,636 alleles (0.00099%); highest among the groups gnomAD compares: Middle Eastern, 0.023%; no homozygotes.

Submissions (4):

Labcorp Genetics (formerly Invitae), Labcorp
Classification: Uncertain significance for Duchenne muscular dystrophy. Last evaluated: 2024-07-17. Review status: criteria provided, single submitter. Criteria: Invitae Variant Classification Sherloc (09022015). Collection method: clinical testing. Allele origin: germline.
Comment: This sequence change replaces leucine, which is neutral and non-polar, with phenylalanine, which is neutral and non-polar, at codon 1272 of the DMD protein (p.Leu1272Phe). This variant is not present in population databases (gnomAD no frequency). This variant has not been reported in the literature in individuals affected with DMD-related conditions. ClinVar contains an entry for this variant (Variation ID: 409920). Advanced modeling of protein sequence and biophysical properties (such as structural, functional, and spatial information, amino acid conservation, physicochemical variation, residue mobility, and thermodynamic stability) performed at Invitae indicates that this missense variant is not expected to disrupt DMD protein function with a negative predictive value of 95%. In summary, the available evidence is currently insufficient to determine the role of this variant in disease. Therefore, it has been classified as a Variant of Uncertain Significance.

Ambry Genetics
Classification: Likely benign for Cardiovascular phenotype. Last evaluated: 2023-11-15. Review status: criteria provided, single submitter. Criteria: Ambry Variant Classification Scheme 2023. Collection method: clinical testing. Allele origin: germline.

GeneDx
Classification: Uncertain significance. Last evaluated: 2023-06-29. Review status: criteria provided, single submitter. Criteria: GeneDx Variant Classification Process June 2021. Collection method: clinical testing. Allele origin: germline. Affected: yes.
Comment: Not observed at significant frequency in large population cohorts (gnomAD); In silico analysis supports that this missense variant does not alter protein structure/function; Has not been previously published as pathogenic or benign to our knowledge

Natera, Inc.
Classification: Uncertain significance for Becker muscular dystrophy; Cardiomyopathy; Duchenne muscular dystrophy; Dystrophin deficiency. Last evaluated: 2019-01-21. Review status: no assertion criteria provided. Collection method: clinical testing. Allele origin: germline. Not counted in ClinVar's aggregate classification.

Literature cited by the submitters: PubMed 29517769 (cited by Ambry Genetics); PubMed 29961767 (cited by Ambry Genetics).

NM_004006.3(DMD):c.3816G>T (p.Leu1272Phe)

Gene: DMD (dystrophin; minus strand). Cytogenetic location: Xp21.1.
Variant type: single nucleotide variant.
Coding change: c.3816G>T on transcript NM_004006.3 (MANE Select); coding-DNA position 3816, G replaced by T.
Protein change: p.Leu1272Phe; replaces leucine 1272 with phenylalanine.
Molecular consequence: missense variant.
Genome position (GRCh38, 1-based): chrX:32,441,285, C>A on the plus strand (G>T on the coding strand, the complement: DMD is on the minus strand). VCF-style: chrX-32441285-C-A. GRCh37 (hg19) VCF-style: chrX-32459402-C-A.
Other names: c.3792G>T, p.Leu1264Phe (NM_000109.4); c.3804G>T, p.Leu1268Phe (NM_004009.3); c.3447G>T, p.Leu1149Phe (NM_004010.3); short protein forms L1272F, L1268F, L1149F, L1264F.
Identifiers: ClinVar variation 409920 (VCV000409920.9), dbSNP rs760733415, ClinGen allele CA16616498.